The following is an entry in ClinVar:

NM_012268.4(PLD3):c.1264A>G (p.Thr422Ala)

Gene: PLD3 (phospholipase D family member 3; plus strand). Cytogenetic location: 19q13.2.
Variant type: single nucleotide variant.
Coding change: c.1264A>G on transcript NM_012268.4 (MANE Select); coding-DNA position 1264, A replaced by G.
Protein change: p.Thr422Ala; replaces threonine 422 with alanine.
Molecular consequence: missense variant.
Genome position (GRCh38, 1-based): chr19:40,377,864, A>G. VCF-style: chr19-40377864-A-G. GRCh37 (hg19) VCF-style: chr19-40883771-A-G.
Other names: c.1264A>G, p.Thr422Ala (NM_001031696.4, NM_001291311.2); short protein forms T422A.
Identifiers: ClinVar variation 2461963 (VCV002461963.5), dbSNP rs138111948, ClinGen allele CA9442985.
Genomic context (GRCh38, chr19:40,377,864, plus strand): 5'-GCGGATGAGGCCCAGGCTCGAATCCCATATGCCCGTGTCAACCACAACAAGTACATGGTG[A>G]CTGAACGCGCCACCTACATCGGTGAGTGTCTTGAGCACCACGGGGCGCTGAAGAAGAGGG-3'
Protein context (NP_036400.2, residues 412-432): ARVNHNKYMV[Thr422Ala]ERATYIGTSN

ClinVar aggregate classification (germline): Uncertain significance. Review status: criteria provided, multiple submitters, no conflicts (2 of 4 stars). 2 submissions from 2 submitters: Uncertain significance (2). Last evaluated 2023-06-27.

Allele frequency attached by ClinVar (database versions not stated): ExAC 0.00001; gnomAD 0.00001; gnomAD exomes 0.00001; TOPMed 0.00003; ESP Exome Variant Server 0.00008.
gnomAD v4.1: 10 of 1,613,782 alleles (0.00062%); highest among the groups gnomAD compares: Non-Finnish European, 0.00085%; no homozygotes.

Submissions (2):

Labcorp Genetics (formerly Invitae), Labcorp
Classification: Uncertain significance. Last evaluated: 2023-06-27. Review status: criteria provided, single submitter. Criteria: Invitae Variant Classification Sherloc (09022015). Collection method: clinical testing. Allele origin: germline.
Comment: In summary, the available evidence is currently insufficient to determine the role of this variant in disease. Therefore, it has been classified as a Variant of Uncertain Significance. An algorithm developed to predict the effect of missense changes on protein structure and function (PolyPhen-2) suggests that this variant is likely to be disruptive. ClinVar contains an entry for this variant (Variation ID: 2461963). This variant has not been reported in the literature in individuals affected with PLD3-related conditions. This variant is present in population databases (rs138111948, gnomAD 0.003%). This sequence change replaces threonine, which is neutral and polar, with alanine, which is neutral and non-polar, at codon 422 of the PLD3 protein (p.Thr422Ala).

Ambry Genetics
Classification: Uncertain significance. Last evaluated: 2023-01-20. Review status: criteria provided, single submitter. Criteria: Ambry Variant Classification Scheme 2023. Collection method: clinical testing. Allele origin: germline.